The following is an entry in ClinVar:

ClinVar aggregate classification (germline): Uncertain significance (1 of 4 stars; one submission).

Conditions:
Muscular dystrophy-dystroglycanopathy (congenital with impaired intellectual development), type B, 1. Also called: MUSCULAR DYSTROPHY, CONGENITAL, POMT1-RELATED; Muscular dystrophy-dystroglycanopathy (congenital with intellectual disability), type B1. Identifiers: MedGen C5436962, MONDO:0013159, OMIM 613155.
Walker-Warburg congenital muscular dystrophy. Also called: Muscular dystrophy-dystroglycanopathy, type A; Walker-Warburg syndrome. Identifiers: Orphanet 899, MedGen C0265221, MONDO:0000171.
Autosomal recessive limb-girdle muscular dystrophy type 2K. Also called: MUSCULAR DYSTROPHY-DYSTROGLYCANOPATHY (LIMB-GIRDLE), TYPE C, 1; MUSCULAR DYSTROPHY, LIMB-GIRDLE, TYPE 2K. Identifiers: Orphanet 86812, MedGen C1836373, MONDO:0012248, OMIM 609308.

gnomAD v4.1: 12 of 1,614,010 alleles (0.00074%); highest among the groups gnomAD compares: African/African-American, 0.0013%; no homozygotes.

Submission:

Labcorp Genetics (formerly Invitae), Labcorp
Classification: Uncertain significance for Muscular dystrophy-dystroglycanopathy (congenital with impaired intellectual development), type B, 1; Walker-Warburg congenital muscular dystrophy; Autosomal recessive limb-girdle muscular dystrophy type 2K. Last evaluated: 2024-10-19. Review status: criteria provided, single submitter. Criteria: Invitae Variant Classification Sherloc (09022015). Collection method: clinical testing. Allele origin: germline.
Comment: This sequence change replaces isoleucine, which is neutral and non-polar, with threonine, which is neutral and polar, at codon 597 of the POMT1 protein (p.Ile597Thr). This variant is present in population databases (rs369461821, gnomAD 0.003%). This variant has not been reported in the literature in individuals affected with POMT1-related conditions. Invitae Evidence Modeling of protein sequence and biophysical properties (such as structural, functional, and spatial information, amino acid conservation, physicochemical variation, residue mobility, and thermodynamic stability) has been performed for this missense variant. However, the output from this modeling did not meet the statistical confidence thresholds required to predict the impact of this variant on POMT1 protein function. In summary, the available evidence is currently insufficient to determine the role of this variant in disease. Therefore, it has been classified as a Variant of Uncertain Significance.

NM_001077365.2(POMT1):c.1724T>C (p.Ile575Thr)

Gene: POMT1 (protein O-mannosyltransferase 1; plus strand). Cytogenetic location: 9q34.13.
Variant type: single nucleotide variant.
Coding change: c.1724T>C on transcript NM_001077365.2 (MANE Select); coding-DNA position 1724, T replaced by C.
Protein change: p.Ile575Thr; replaces isoleucine 575 with threonine.
Molecular consequence: missense variant. On other transcripts: non-coding transcript variant (10).
Genome position (GRCh38, 1-based): chr9:131,521,371, T>C. VCF-style: chr9-131521371-T-C. GRCh37 (hg19) VCF-style: chr9-134396758-T-C.
Other names: c.1562T>C, p.Ile521Thr (NM_001077366.2, NM_001353194.2); c.1724T>C, p.Ile575Thr (NM_001136113.2); c.1373T>C, p.Ile458Thr (NM_001136114.2, NM_001353195.2, NM_001374691.1 and 2 more transcripts); c.1790T>C, p.Ile597Thr (NM_001353193.2, NM_007171.4); c.1634T>C, p.Ile545Thr (NM_001353196.2); c.1628T>C, p.Ile543Thr (NM_001353197.2, NM_001353198.2); c.1439T>C, p.Ile480Thr (NM_001353199.2); c.1268T>C, p.Ile423Thr (NM_001353200.2); and 4 more; short protein forms I198T, I423T, I445T, I458T, I480T, I502T, I521T, I543T.
Identifiers: ClinVar variation 3760617 (VCV003760617.1).